The following is an entry in ClinVar:

ClinVar aggregate classification (germline): Likely benign (1 of 4 stars; one submission).

Conditions:
Multiple endocrine neoplasia, type 2 (MEN2). Identifiers: Orphanet 653, MedGen C4048306, MONDO:0019003. Disease mechanism: gain of function.

Submission:

All of Us Research Program, National Institutes of Health
Classification: Likely benign for Multiple endocrine neoplasia, type 2. Last evaluated: 2023-03-23. Review status: criteria provided, single submitter. Criteria: ACMG Guidelines, 2015. Collection method: clinical testing. Allele origin: germline. Inheritance: Autosomal dominant inheritance. Observed: 1 variant allele, 1 heterozygote.
Comment: This study involves interpretation of variants in research participants for the purpose of population health screening. Participant phenotype was not available at the time of variant classification. Additional details can be found in publication PMID: 35346344, PMCID: PMC8962531

NM_020975.6(RET):c.1880-10C>T

Gene: RET (ret proto-oncogene; plus strand). Cytogenetic location: 10q11.21.
Variant type: single nucleotide variant.
Coding change: c.1880-10C>T on transcript NM_020975.6 (MANE Select); 10 bases into the intron before coding-DNA position 1880, C replaced by T.
Molecular consequence: intron variant.
Genome position (GRCh38, 1-based): chr10:43,114,470, C>T. VCF-style: chr10-43114470-C-T. GRCh37 (hg19) VCF-style: chr10-43609918-C-T.
Other names: c.1880-10C>T (NM_020630.7, NM_001406743.1, NM_001406744.1 and 2 more transcripts); c.1880-145C>T (NM_001406765.1, NM_001406763.1); c.1484-10C>T (NM_001406772.1, NM_001406769.1); c.1442-10C>T (NM_001406773.1, NM_001406771.1); c.983-10C>T (NM_001406782.1, NM_001406780.1, NM_001406779.1 and 1 more transcripts); c.983-145C>T (NM_001406787.1); c.863-10C>T (NM_001406785.1); c.1751-10C>T (NM_001406764.1, NM_001406762.1, NM_001406761.1); and 10 more.
Identifiers: ClinVar variation 3069978 (VCV003069978.1), dbSNP rs2132842617, ClinGen allele CA2721908496.